The following is an entry in ClinVar:

ClinVar aggregate classification (germline): Uncertain significance (1 of 4 stars; one submission).

Allele frequency attached by ClinVar (database versions not stated): TOPMed below 0.00001; ExAC 0.00001; gnomAD 0.00001.

Submission:

Labcorp Genetics (formerly Invitae), Labcorp
Classification: Uncertain significance. Last evaluated: 2022-03-11. Review status: criteria provided, single submitter. Criteria: Invitae Variant Classification Sherloc (09022015). Collection method: clinical testing. Allele origin: germline.
Comment: In summary, the available evidence is currently insufficient to determine the role of this variant in disease. Therefore, it has been classified as a Variant of Uncertain Significance. Algorithms developed to predict the effect of missense changes on protein structure and function are either unavailable or do not agree on the potential impact of this missense change (SIFT: "Deleterious"; PolyPhen-2: "Benign"; Align-GVGD: "Class C0"). This variant has not been reported in the literature in individuals affected with ERCC3-related conditions. This variant is present in population databases (rs776433788, gnomAD 0.0009%). This sequence change replaces isoleucine, which is neutral and non-polar, with threonine, which is neutral and polar, at codon 210 of the ERCC3 protein (p.Ile210Thr).

NM_000122.2(ERCC3):c.629T>C (p.Ile210Thr)

Gene: ERCC3 (ERCC excision repair 3, TFIIH core complex helicase subunit; minus strand). Cytogenetic location: 2q14.3.
Variant type: single nucleotide variant.
Coding change: c.629T>C on transcript NM_000122.2 (MANE Select); coding-DNA position 629, T replaced by C.
Protein change: p.Ile210Thr; replaces isoleucine 210 with threonine.
Molecular consequence: missense variant.
Genome position (GRCh38, 1-based): chr2:127,289,717, A>G on the plus strand (T>C on the coding strand, the complement: ERCC3 is on the minus strand). VCF-style: chr2-127289717-A-G. GRCh37 (hg19) VCF-style: chr2-128047293-A-G.
Other names: c.437T>C, p.Ile146Thr (NM_001303416.2, NM_001303418.2); short protein forms I146T, I210T.
Identifiers: ClinVar variation 1991223 (VCV001991223.4), dbSNP rs776433788, ClinGen allele CA1858493.